The following is an entry in ClinVar:

NM_001270.4(CHD1):c.1970T>C (p.Leu657Pro)

Gene: CHD1 (chromodomain helicase DNA binding protein 1; minus strand). Cytogenetic location: 5q15.
Variant type: single nucleotide variant.
Coding change: c.1970T>C on transcript NM_001270.4 (MANE Select); coding-DNA position 1970, T replaced by C.
Protein change: p.Leu657Pro; replaces leucine 657 with proline.
Molecular consequence: missense variant. On other transcripts: non-coding transcript variant (2).
Genome position (GRCh38, 1-based): chr5:98,893,437, A>G on the plus strand (T>C on the coding strand, the complement: CHD1 is on the minus strand). VCF-style: chr5-98893437-A-G. GRCh37 (hg19) VCF-style: chr5-98229141-A-G.
Other names: c.1970T>C, p.Leu657Pro (NM_001364113.3, NM_001376194.2); short protein forms L657P.
Identifiers: ClinVar variation 1313723 (VCV001313723.4), dbSNP rs2112476873, ClinGen allele CA360516787.

ClinVar aggregate classification (germline): Uncertain significance (1 of 4 stars; one submission).

Submission:

GeneDx
Classification: Uncertain significance. Last evaluated: 2023-09-19. Review status: criteria provided, single submitter. Criteria: GeneDx Variant Classification Process June 2021. Collection method: clinical testing. Allele origin: germline. Affected: yes.
Comment: Not observed in large population cohorts (gnomAD); In silico analysis supports that this missense variant has a deleterious effect on protein structure/function; Has not been previously published as pathogenic or benign to our knowledge